The following is an entry in ClinVar:

NM_000057.4(BLM):c.3608C>G (p.Ala1203Gly)

Gene: BLM (BLM RecQ like helicase; plus strand). Cytogenetic location: 15q26.1.
Variant type: single nucleotide variant.
Coding change: c.3608C>G on transcript NM_000057.4 (MANE Select); coding-DNA position 3608, C replaced by G.
Protein change: p.Ala1203Gly; replaces alanine 1203 with glycine.
Molecular consequence: missense variant. On other transcripts: intron variant (1).
Genome position (GRCh38, 1-based): chr15:90,804,216, C>G. VCF-style: chr15-90804216-C-G. GRCh37 (hg19) VCF-style: chr15-91347446-C-G.
Other names: c.3608C>G, p.Ala1203Gly (NM_001287246.2); c.2483C>G, p.Ala828Gly (NM_001287248.2); c.3359-4921C>G (NM_001287247.2); short protein forms A1203G, A828G.
Identifiers: ClinVar variation 936779 (VCV000936779.10), dbSNP rs757088548, ClinGen allele CA393847994.
Genomic context (GRCh38, chr15:90,804,216, plus strand): 5'-CTCTCATAAAGGTAGACTTTATGGAAACAGAAAATTCCAGCAGTGTGAAAAAACAAAAAG[C>G]GTTAGTAGCAAAAGTGTCTCAGAGGGAAGAGATGGTTAAAAAATGTCTTGGAGAACTTAC-3'
Protein context (NP_000048.1, residues 1193-1213): ENSSSVKKQK[Ala1203Gly]LVAKVSQREE

ClinVar aggregate classification (germline): Uncertain significance (1 of 4 stars; one submission).

Conditions:
Bloom syndrome (BLM). Also called: Bloom-Torre-Machacek syndrome. Identifiers: Orphanet 125, MedGen C0005859, MONDO:0008876, OMIM 210900.

Submission:

Labcorp Genetics (formerly Invitae), Labcorp
Classification: Uncertain significance for Bloom syndrome. Last evaluated: 2019-08-31. Review status: criteria provided, single submitter. Criteria: Invitae Variant Classification Sherloc (09022015). Collection method: clinical testing. Allele origin: germline.
Comment: In summary, the available evidence is currently insufficient to determine the role of this variant in disease. Therefore, it has been classified as a Variant of Uncertain Significance. Algorithms developed to predict the effect of missense changes on protein structure and function are either unavailable or do not agree on the potential impact of this missense change (SIFT: "Tolerated"; PolyPhen-2: "Possibly Damaging"; Align-GVGD: "Class C0"). This variant has not been reported in the literature in individuals with BLM-related conditions. This variant is not present in population databases (ExAC no frequency). This sequence change replaces alanine with glycine at codon 1203 of the BLM protein (p.Ala1203Gly). The alanine residue is moderately conserved and there is a small physicochemical difference between alanine and glycine.